The following is an entry in ClinVar:

ClinVar aggregate classification (germline): Uncertain significance (1 of 4 stars; one submission).

Conditions:
Infantile-onset X-linked spinal muscular atrophy. Also called: Spinal Muscular Atrophy, X-Linked Infantile; AMC, DISTAL, X-LINKED; ARTHROGRYPOSIS, X-LINKED, TYPE I; SPINAL MUSCULAR ATROPHY, X-LINKED LETHAL INFANTILE; Spinal muscular atrophy, X-linked 2. Identifiers: Orphanet 1145, MedGen C1844934, MONDO:0010532, OMIM 301830.

Allele frequency attached by ClinVar (database versions not stated): gnomAD 0.00001; gnomAD exomes 0.00001; TOPMed 0.00002.
gnomAD v4.1: 4 of 1,210,459 alleles (0.00033%); highest among the groups gnomAD compares: Non-Finnish European, 0.00045%; no homozygotes.

Submission:

Labcorp Genetics (formerly Invitae), Labcorp
Classification: Uncertain significance for Infantile-onset X-linked spinal muscular atrophy. Last evaluated: 2024-07-11. Review status: criteria provided, single submitter. Criteria: Invitae Variant Classification Sherloc (09022015). Collection method: clinical testing. Allele origin: germline.
Comment: This sequence change replaces serine, which is neutral and polar, with proline, which is neutral and non-polar, at codon 460 of the UBA1 protein (p.Ser460Pro). This variant is present in population databases (no rsID available, gnomAD 0.002%), including at least one homozygous and/or hemizygous individual. This variant has not been reported in the literature in individuals affected with UBA1-related conditions. An algorithm developed to predict the effect of missense changes on protein structure and function (PolyPhen-2) suggests that this variant is likely to be tolerated. In summary, the available evidence is currently insufficient to determine the role of this variant in disease. Therefore, it has been classified as a Variant of Uncertain Significance.

NM_003334.4(UBA1):c.1378T>C (p.Ser460Pro)

Gene: UBA1 (ubiquitin like modifier activating enzyme 1; plus strand). Cytogenetic location: Xp11.3.
Variant type: single nucleotide variant.
Coding change: c.1378T>C on transcript NM_003334.4 (MANE Select); coding-DNA position 1378, T replaced by C.
Protein change: p.Ser460Pro; replaces serine 460 with proline.
Molecular consequence: missense variant.
Genome position (GRCh38, 1-based): chrX:47,203,173, T>C. VCF-style: chrX-47203173-T-C. GRCh37 (hg19) VCF-style: chrX-47062572-T-C.
Other names: c.1378T>C, p.Ser460Pro (NM_153280.3); short protein forms S460P.
Identifiers: ClinVar variation 2845484 (VCV002845484.3), dbSNP rs1352099164, ClinGen allele CA412797817.